The following is an entry in ClinVar:

NM_025103.4(IFT74):c.1787G>T (p.Ser596Ile)

Gene: IFT74 (intraflagellar transport 74; plus strand). Cytogenetic location: 9p21.2.
Variant type: single nucleotide variant.
Coding change: c.1787G>T on transcript NM_025103.4 (MANE Select); coding-DNA position 1787, G replaced by T.
Protein change: p.Ser596Ile; replaces serine 596 with isoleucine.
Molecular consequence: missense variant. On other transcripts: 3 prime UTR variant (1).
Genome position (GRCh38, 1-based): chr9:27,062,720, G>T. VCF-style: chr9-27062720-G-T. GRCh37 (hg19) VCF-style: chr9-27062718-G-T.
Other names: c.1787G>T, p.Ser596Ile (NM_001099222.3, NM_001099223.3); c.*723G>T (NM_001349928.2); short protein forms S596I.
Identifiers: ClinVar variation 3353388 (VCV003353388.1).

ClinVar aggregate classification (germline): Uncertain significance (0 of 4 stars; one submission).

Conditions:
IFT74-related disorder. Also called: IFT74-related condition; IFT74-Related Disorders.

gnomAD v4.1: 4 of 1,586,146 alleles (0.00025%); highest among the groups gnomAD compares: Non-Finnish European, 0.00017%; no homozygotes.

Submission:

PreventionGenetics, part of Exact Sciences
Classification: Uncertain significance for IFT74-related condition. Last evaluated: 2024-06-28. Review status: no assertion criteria provided. Collection method: clinical testing. Allele origin: germline.
Comment: The IFT74 c.1787G>T variant is predicted to result in the amino acid substitution p.Ser596Ile. To our knowledge, this variant has not been reported in the literature. This variant is reported in 0.00090% of alleles in individuals of European (Non-Finnish) descent in gnomAD. At this time, the clinical significance of this variant is uncertain due to the absence of conclusive functional and genetic evidence.